The following is an entry in ClinVar:

ClinVar aggregate classification (germline): Likely benign (1 of 4 stars; one submission).

Allele frequency attached by ClinVar (database versions not stated): 1000 Genomes Project 0.00040; ExAC 0.00044; TOPMed 0.00046; 1000 Genomes Project 30x 0.00062; ESP Exome Variant Server 0.00062.
gnomAD v4.1: 433 of 1,597,314 alleles (0.027%); highest among the groups gnomAD compares: Admixed American, 0.043%; no homozygotes.

Submission:

CeGaT Center for Human Genetics Tuebingen
Classification: Likely benign. Last evaluated: 2022-03-01. Review status: criteria provided, single submitter. Criteria: CeGaT Center For Human Genetics Tuebingen Variant Classification Criteria Version 2. Collection method: clinical testing. Allele origin: germline. Affected: yes. Observed: 1 variant allele.
Comment: CPNE6: BP4, BP7

NM_006032.4(CPNE6):c.1582C>A (p.Arg528=)

Gene: CPNE6 (copine 6; plus strand). Cytogenetic location: 14q11.2.
Variant type: single nucleotide variant.
Coding change: c.1582C>A on transcript NM_006032.4 (MANE Select); coding-DNA position 1582, C replaced by A.
Protein change: p.Arg528=; no amino-acid change (arginine 528 retained).
Molecular consequence: synonymous variant. On other transcripts: non-coding transcript variant (1).
Genome position (GRCh38, 1-based): chr14:24,077,638, C>A. VCF-style: chr14-24077638-C-A. GRCh37 (hg19) VCF-style: chr14-24546847-C-A.
Other names: c.1747C>A, p.Arg583= (NM_001280558.2); c.1582C>A, p.Arg528= (NM_001385056.1, NM_001385057.1, NM_001385058.1).
Identifiers: ClinVar variation 2644126 (VCV002644126.24), dbSNP rs150792296, ClinGen allele CA7122771.